The following is an entry in ClinVar:

ClinVar aggregate classification (germline): Uncertain significance (1 of 4 stars; one submission).

Conditions:
Inborn genetic diseases. Identifiers: MedGen C0950123, MeSH D030342.

gnomAD v4.1: 1 of 1,613,830 alleles (0.000062%); highest among the groups gnomAD compares: Non-Finnish European, 0.000085%; no homozygotes.

Submission:

Ambry Genetics
Classification: Uncertain significance for Inborn genetic diseases. Last evaluated: 2025-11-05. Review status: criteria provided, single submitter. Criteria: Ambry Variant Classification Scheme 2023. Collection method: clinical testing. Allele origin: germline.
Comment: The p.K1291I variant (also known as c.3872A>T), located in coding exon 1 of the SAMD9 gene, results from an A to T substitution at nucleotide position 3872. The lysine at codon 1291 is replaced by isoleucine, an amino acid with dissimilar properties. This amino acid position is conserved. In addition, this alteration is predicted to be tolerated by in silico analysis. Based on the available evidence, the clinical significance of this variant remains unclear.

NM_017654.4(SAMD9):c.3872A>T (p.Lys1291Ile)

Gene: SAMD9 (sterile alpha motif domain containing 9; minus strand). Cytogenetic location: 7q21.2.
Variant type: single nucleotide variant.
Coding change: c.3872A>T on transcript NM_017654.4 (MANE Select); coding-DNA position 3872, A replaced by T.
Protein change: p.Lys1291Ile; replaces lysine 1291 with isoleucine.
Molecular consequence: missense variant.
Genome position (GRCh38, 1-based): chr7:93,102,226, T>A on the plus strand (A>T on the coding strand, the complement: SAMD9 is on the minus strand). VCF-style: chr7-93102226-T-A. GRCh37 (hg19) VCF-style: chr7-92731539-T-A.
Other names: c.3872A>T, p.Lys1291Ile (NM_001193307.2); short protein forms K1291I.
Identifiers: ClinVar variation 4629927 (VCV004629927.1).